The following is an entry in ClinVar:

ClinVar aggregate classification (germline): Uncertain significance (1 of 4 stars; one submission).

Conditions:
Epilepsy, X-linked 1, with variable learning disabilities and behavior disorders. Also called: X-linked epilepsy-learning disabilities-behavior disorders syndrome. Identifiers: Orphanet 85294, MedGen C5774177, MONDO:0010339, OMIM 300491.

Submission:

Labcorp Genetics (formerly Invitae), Labcorp
Classification: Uncertain significance for Epilepsy, X-linked 1, with variable learning disabilities and behavior disorders. Last evaluated: 2022-09-13. Review status: criteria provided, single submitter. Criteria: Invitae Variant Classification Sherloc (09022015). Collection method: clinical testing. Allele origin: germline.
Comment: ClinVar contains an entry for this variant (Variation ID: 571077). This sequence change replaces proline, which is neutral and non-polar, with serine, which is neutral and polar, at codon 455 of the SYN1 protein (p.Pro455Ser). This variant is not present in population databases (gnomAD no frequency). This variant has not been reported in the literature in individuals affected with SYN1-related conditions. Algorithms developed to predict the effect of missense changes on protein structure and function are either unavailable or do not agree on the potential impact of this missense change (SIFT: "Deleterious"; PolyPhen-2: "Benign"; Align-GVGD: "Class C0"). In summary, the available evidence is currently insufficient to determine the role of this variant in disease. Therefore, it has been classified as a Variant of Uncertain Significance.

NM_006950.3(SYN1):c.1363C>T (p.Pro455Ser)

Gene: SYN1 (synapsin I; minus strand). Cytogenetic location: Xp11.3.
Variant type: single nucleotide variant.
Coding change: c.1363C>T on transcript NM_006950.3 (MANE Select); coding-DNA position 1363, C replaced by T.
Protein change: p.Pro455Ser; replaces proline 455 with serine.
Molecular consequence: missense variant.
Genome position (GRCh38, 1-based): chrX:47,574,718, G>A on the plus strand (C>T on the coding strand, the complement: SYN1 is on the minus strand). VCF-style: chrX-47574718-G-A. GRCh37 (hg19) VCF-style: chrX-47434117-G-A.
Other names: c.1363C>T, p.Pro455Ser (NM_133499.2); short protein forms P455S.
Identifiers: ClinVar variation 571077 (VCV000571077.9), dbSNP rs1371497364, ClinGen allele CA412824577.
Genomic context (GRCh38, chrX:47,574,718, plus strand): 5'-GGGGACTGCGACCGCCAGCCTCTCGCTTACCCTGTGGTGGGGGTCGCTGCTGAGCCGGGG[G>A]CCCTGCGGGCTGCTGGGAGGTCTGGCGGCCCAAGGGCAGGGCCCCTGGGGACGGAGTCTG-3'
Protein context (NP_008881.2, residues 445-465): GRQTSQQPAG[Pro455Ser]PAQQRPPPQG